The following is an entry in ClinVar:

NM_001145319.2(PLS1):c.1576G>A (p.Val526Ile)

Gene: PLS1 (plastin 1; plus strand). Cytogenetic location: 3q23.
Variant type: single nucleotide variant.
Coding change: c.1576G>A on transcript NM_001145319.2 (MANE Select); coding-DNA position 1576, G replaced by A.
Protein change: p.Val526Ile; replaces valine 526 with isoleucine.
Molecular consequence: missense variant.
Genome position (GRCh38, 1-based): chr3:142,704,533, G>A. VCF-style: chr3-142704533-G-A. GRCh37 (hg19) VCF-style: chr3-142423375-G-A.
Other names: p.Val526Ile; c.1576G>A, p.Val526Ile (NM_001172312.2, NM_002670.3); c.1576G>A (NM_001145319.1); short protein forms V526I.
Identifiers: ClinVar variation 4540931 (VCV004540931.2).

ClinVar aggregate classification (germline): Conflicting classifications of pathogenicity. Review status: criteria provided, conflicting classifications (1 of 4 stars). 2 submissions from 2 submitters: Uncertain significance (1); Likely benign (1). Last evaluated 2025-03-26.

Conditions:
PLS1-related disorder. Also called: PLS1-related condition.

gnomAD v4.1: 296 of 1,597,094 alleles (0.019%); highest among the groups gnomAD compares: African/African-American, 0.37%; no homozygotes.

Submissions (2):

Mayo Clinic Laboratories, Mayo Clinic
Classification: Uncertain significance. Last evaluated: 2025-03-26. Review status: criteria provided, single submitter. Criteria: ACMG Guidelines, 2015. Collection method: clinical testing. Allele origin: germline. Observed: 1 variant allele.
Comment: BS1, PP3

PreventionGenetics, part of Exact Sciences
Classification: Likely benign for PLS1-related condition. Last evaluated: 2025-03-22. Review status: criteria provided, single submitter. Criteria: ACMG Guidelines, 2015. Collection method: clinical testing. Allele origin: germline.
Comment: This variant is classified as likely benign based on ACMG/AMP sequence variant interpretation guidelines (Richards et al. 2015 PMID: 25741868, with internal and published modifications).